The following is an entry in ClinVar:

NM_032888.4(COL27A1):c.4583C>T (p.Pro1528Leu)

Gene: COL27A1 (collagen type XXVII alpha 1 chain; plus strand). Cytogenetic location: 9q32.
Variant type: single nucleotide variant.
Coding change: c.4583C>T on transcript NM_032888.4 (MANE Select); coding-DNA position 4583, C replaced by T.
Protein change: p.Pro1528Leu; replaces proline 1528 with leucine.
Molecular consequence: missense variant.
Genome position (GRCh38, 1-based): chr9:114,292,209, C>T. VCF-style: chr9-114292209-C-T. GRCh37 (hg19) VCF-style: chr9-117054489-C-T.
Other names: c.4583C>T (NM_032888.2); short protein forms P1528L.
Identifiers: ClinVar variation 2152693 (VCV002152693.2), dbSNP rs142121811, ClinGen allele CA5202973.
Genomic context (GRCh38, chr9:114,292,209, plus strand): 5'-GAACAGAGGGCAGAACGGGGCTCCCTGGAAACCAGGGGGAGCCTGGGTCCAAAGGCCAGC[C>T]GGTGAGTGAGCGCCAAAGAATACACATGCCCACGCACTCACACATGCACACACTCACATA-3'
Protein context (NP_116277.2, residues 1518-1538): NQGEPGSKGQ[Pro1528Leu]GDSGEMGFPG

ClinVar aggregate classification (germline): Uncertain significance. Review status: criteria provided, multiple submitters, no conflicts (2 of 4 stars). 2 submissions from 2 submitters: Uncertain significance (2). Last evaluated 2024-10-20.

Conditions:
Inborn genetic diseases. Identifiers: MedGen C0950123, MeSH D030342.

Allele frequency attached by ClinVar (database versions not stated): gnomAD exomes 0.00006; ExAC 0.00009; 1000 Genomes Project 0.00020; TOPMed 0.00021; gnomAD 0.00023; ESP Exome Variant Server 0.00039; 1000 Genomes Project 30x 0.00047.
gnomAD v4.1: 115 of 1,552,386 alleles (0.0074%); highest among the groups gnomAD compares: African/African-American, 0.087%; no homozygotes.

Submissions (2):

Ambry Genetics
Classification: Uncertain significance for Inborn genetic diseases. Last evaluated: 2024-10-20. Review status: criteria provided, single submitter. Criteria: Ambry Variant Classification Scheme 2023. Collection method: clinical testing. Allele origin: germline.

Labcorp Genetics (formerly Invitae), Labcorp
Classification: Uncertain significance. Last evaluated: 2022-04-11. Review status: criteria provided, single submitter. Criteria: Invitae Variant Classification Sherloc (09022015). Collection method: clinical testing. Allele origin: germline.
Comment: This sequence change replaces proline, which is neutral and non-polar, with leucine, which is neutral and non-polar, at codon 1528 of the COL27A1 protein (p.Pro1528Leu). This variant is present in population databases (rs142121811, gnomAD 0.06%). This variant has not been reported in the literature in individuals affected with COL27A1-related conditions. Algorithms developed to predict the effect of missense changes on protein structure and function are either unavailable or do not agree on the potential impact of this missense change (SIFT: "Deleterious"; PolyPhen-2: "Not Available"; Align-GVGD: "Class C65"). In summary, the available evidence is currently insufficient to determine the role of this variant in disease. Therefore, it has been classified as a Variant of Uncertain Significance.